The following is an entry in ClinVar:

ClinVar aggregate classification (germline): Benign. Review status: reviewed by expert panel (3 of 4 stars). 9 submissions from 9 submitters: Benign (1). 8 of the submissions do not count toward it. Last evaluated 2015-08-10.

Conditions:
Breast-ovarian cancer, familial, susceptibility to, 1 (BROVCA1). Also called: BRCA1 Hereditary Breast and Ovarian Cancer; OVARIAN CANCER, SUSCEPTIBILITY TO. Identifiers: Orphanet 145, MedGen C2676676, MONDO:0011450, OMIM 604370. Disease mechanism: loss of function.
Hereditary cancer-predisposing syndrome. Also called: Hereditary Cancer Syndrome; Hereditary neoplastic syndrome; Neoplastic Syndromes, Hereditary; Tumor predisposition. Identifiers: Orphanet 140162, MedGen C0027672, MeSH D009386, MONDO:0015356.
Hereditary breast ovarian cancer syndrome. Also called: BRCA1- and BRCA2-Associated Hereditary Breast and Ovarian Cancer; Hereditary breast and ovarian cancer syndrome; Hereditary breast and ovarian cancer syndrome (HBOC); Breast and ovarian cancer; Hereditary breast and/or ovarian cancer syndrome; Hereditary breast and ovarian cancer. Identifiers: Orphanet 145, MedGen C0677776, MeSH D061325, MONDO:0003582. Disease mechanism: loss of function.

Allele frequency attached by ClinVar (database versions not stated): TOPMed 0.00004; gnomAD 0.00002; gnomAD exomes 0.00006 and 0.00013; ExAC 0.00012.
gnomAD v4.1: 38 of 1,613,244 alleles (0.0024%); highest among the groups gnomAD compares: Admixed American, 0.063%; no homozygotes.

Submissions (9):

Evidence-based Network for the Interpretation of Germline Mutant Alleles (ENIGMA)
Classification: Benign for Breast-ovarian cancer, familial 1. Last evaluated: 2015-08-10. Review status: reviewed by expert panel. Criteria: ENIGMA BRCA1/2 Classification Criteria (2015). Collection method: curation. Allele origin: germline.
Comment: IARC class based on posterior probability from multifactorial likelihood analysis, thresholds for class as per Plon et al. 2008 (PMID: 18951446). Class 1 based on posterior probability = 0.0000767

Labcorp Genetics (formerly Invitae), Labcorp
Classification: Benign for Hereditary breast ovarian cancer syndrome. Last evaluated: 2026-02-01. Review status: criteria provided, single submitter. Criteria: Invitae Variant Classification Sherloc (09022015). Collection method: clinical testing. Allele origin: germline. Not counted in ClinVar's aggregate classification.

Sema4
Classification: Likely benign for Hereditary cancer-predisposing syndrome. Last evaluated: 2022-03-12. Review status: criteria provided, single submitter. Criteria: Sema4 Curation Guidelines. Collection method: curation. Allele origin: germline. Not counted in ClinVar's aggregate classification.

GeneDx
Classification: Likely benign. Last evaluated: 2021-05-28. Review status: criteria provided, single submitter. Criteria: GeneDx Variant Classification Process June 2021. Collection method: clinical testing. Allele origin: germline. Affected: yes. Not counted in ClinVar's aggregate classification.
Comment: This variant is associated with the following publications: (PMID: 15726418, 16518693, 17924331, 21990134, 22753008, 27535533, 31453292, 33087888)

Quest Diagnostics Nichols Institute San Juan Capistrano
Classification: Benign. Last evaluated: 2019-08-19. Review status: criteria provided, single submitter. Criteria: Quest Diagnostics criteria. Collection method: clinical testing. Allele origin: germline. Not counted in ClinVar's aggregate classification.

Color Diagnostics, LLC DBA Color Health
Classification: Likely benign for Hereditary cancer-predisposing syndrome. Last evaluated: 2017-06-02. Review status: criteria provided, single submitter. Criteria: ACMG Guidelines, 2015. Collection method: clinical testing. Allele origin: germline. Not counted in ClinVar's aggregate classification.

Ambry Genetics
Classification: Benign for Hereditary cancer-predisposing syndrome. Last evaluated: 2014-11-18. Review status: criteria provided, single submitter. Criteria: Ambry Variant Classification Scheme 2023. Collection method: clinical testing. Allele origin: germline. Not counted in ClinVar's aggregate classification.

Sharing Clinical Reports Project (SCRP)
Classification: Benign for Breast-ovarian cancer, familial 1. Last evaluated: 2012-05-01. Review status: no assertion criteria provided. Collection method: clinical testing. Allele origin: germline. Not counted in ClinVar's aggregate classification.

Breast Cancer Information Core (BIC) (BRCA1)
Classification: Uncertain significance for Breast-ovarian cancer, familial 1. Last evaluated: 1998-03-25. Review status: no assertion criteria provided. Collection method: clinical testing. Allele origin: germline. Affected: yes. Observed: 2 variant alleles. Not counted in ClinVar's aggregate classification.

Literature cited by the submitters: PubMed 21990134 (cited by Evidence-based Network for the Interpretation of Germline Mutant Alleles (ENIGMA) and Quest Diagnostics Nichols Institute San Juan Capistrano); PubMed 22753008 (cited by Quest Diagnostics Nichols Institute San Juan Capistrano); PubMed 15726418 (cited by Quest Diagnostics Nichols Institute San Juan Capistrano); PubMed 17924331 (cited by Quest Diagnostics Nichols Institute San Juan Capistrano); PubMed 16518693 (cited by Quest Diagnostics Nichols Institute San Juan Capistrano).

NM_007294.4(BRCA1):c.839C>G (p.Ala280Gly)

Gene: BRCA1 (BRCA1 DNA repair associated; minus strand). Cytogenetic location: 17q21.31.
Variant type: single nucleotide variant.
Coding change: c.839C>G on transcript NM_007294.4 (MANE Select); coding-DNA position 839, C replaced by G.
Protein change: p.Ala280Gly; replaces alanine 280 with glycine.
Molecular consequence: missense variant. On other transcripts: 5 prime UTR variant (2), intron variant (137).
Genome position (GRCh38, 1-based): chr17:43,094,692, G>C on the plus strand (C>G on the coding strand, the complement: BRCA1 is on the minus strand). VCF-style: chr17-43094692-G-C. GRCh37 (hg19) VCF-style: chr17-41246709-G-C.
Other names: 958C>G; c.836C>G, p.Ala279Gly (NM_001407613.1, NM_001407614.1, NM_001407615.1 and 22 more transcripts); c.839C>G, p.Ala280Gly (NM_001407616.1, NM_001407617.1, NM_001407618.1 and 30 more transcripts); c.761C>G, p.Ala254Gly (NM_001407654.1, NM_001407655.1, NM_001407656.1 and 4 more transcripts); c.758C>G, p.Ala253Gly (NM_001407659.1, NM_001407660.1, NM_001407661.1 and 1 more transcripts); c.713C>G, p.Ala238Gly (NM_001407673.1, NM_001407649.1, NM_001407670.1 and 11 more transcripts); c.716C>G, p.Ala239Gly (NM_001407674.1, NM_001407675.1, NM_001407676.1 and 19 more transcripts); c.698C>G, p.Ala233Gly (NM_001407692.1, NM_001407694.1, NM_001407695.1 and 29 more transcripts); and 41 more; short protein forms A280G, A233G, A152G, A153G, A212G, A253G, A168G, A192G.
Identifiers: ClinVar variation 55731 (VCV000055731.23), dbSNP rs80357199, ClinGen allele CA003932.